The following is an entry in ClinVar:

ClinVar aggregate classification (germline): Uncertain significance (1 of 4 stars; one submission).

Allele frequency attached by ClinVar (database versions not stated): gnomAD 0.00001; ExAC 0.00004.
gnomAD v4.1: 24 of 1,613,920 alleles (0.0015%); highest among the groups gnomAD compares: South Asian, 0.025%; no homozygotes.

Submission:

Labcorp Genetics (formerly Invitae), Labcorp
Classification: Uncertain significance. Last evaluated: 2024-08-06. Review status: criteria provided, single submitter. Criteria: Invitae Variant Classification Sherloc (09022015). Collection method: clinical testing. Allele origin: germline.
Comment: This sequence change replaces phenylalanine, which is neutral and non-polar, with leucine, which is neutral and non-polar, at codon 358 of the TNNI3K protein (p.Phe358Leu). This variant is present in population databases (rs768997216, gnomAD 0.03%). This variant has not been reported in the literature in individuals affected with TNNI3K-related conditions. Advanced modeling of protein sequence and biophysical properties (such as structural, functional, and spatial information, amino acid conservation, physicochemical variation, residue mobility, and thermodynamic stability) performed at Invitae indicates that this missense variant is not expected to disrupt TNNI3K protein function with a negative predictive value of 80%. In summary, the available evidence is currently insufficient to determine the role of this variant in disease. Therefore, it has been classified as a Variant of Uncertain Significance.

NM_015978.3(TNNI3K):c.1074C>A (p.Phe358Leu)

Genes: FPGT-TNNI3K (FPGT-TNNI3K readthrough; plus strand), TNNI3K (TNNI3 interacting kinase; plus strand). Cytogenetic location: 1p31.1.
Variant type: single nucleotide variant.
Coding change: c.1074C>A on transcript NM_015978.3 (MANE Select); coding-DNA position 1074, C replaced by A.
Protein change: p.Phe358Leu; replaces phenylalanine 358 with leucine.
Molecular consequence: missense variant.
Genome position (GRCh38, 1-based): chr1:74,354,026, C>A. VCF-style: chr1-74354026-C-A. GRCh37 (hg19) VCF-style: chr1-74819710-C-A.
Other names: c.1377C>A, p.Phe459Leu (NM_001112808.3, NM_001199327.2); short protein forms F358L, F459L.
Identifiers: ClinVar variation 2991415 (VCV002991415.3), dbSNP rs768997216, ClinGen allele CA909145.